The following is an entry in ClinVar:

NM_001382567.1(STIM1):c.2105G>A (p.Arg702Gln)

Genes: STIM1 (stromal interaction molecule 1; plus strand), LOC124418421 (Sharpr-MPRA regulatory region 9588; plus strand). Cytogenetic location: 11p15.4.
Variant type: single nucleotide variant.
Coding change: c.2105G>A on transcript NM_001382567.1 (MANE Select); coding-DNA position 2105, G replaced by A.
Protein change: p.Arg702Gln; replaces arginine 702 with glutamine.
Molecular consequence: missense variant. On other transcripts: 3 prime UTR variant (4), non-coding transcript variant (3).
Genome position (GRCh38, 1-based): chr11:4,091,752, G>A. VCF-style: chr11-4091752-G-A. GRCh37 (hg19) VCF-style: chr11-4112982-G-A.
Other names: c.2330G>A, p.Arg777Gln (NM_001277961.3); c.*426G>A (NM_001277962.2, NM_001382578.1, NM_001382579.1 and 1 more transcripts); c.2108G>A, p.Arg703Gln (NM_001382566.1); c.2033G>A, p.Arg678Gln (NM_001382568.1); c.1877G>A, p.Arg626Gln (NM_001382569.1); c.1784G>A, p.Arg595Gln (NM_001382570.1); c.1532G>A, p.Arg511Gln (NM_001382571.1); c.1790G>A, p.Arg597Gln (NM_001382575.1, NM_001382576.1, NM_001382577.1); and 2 more; short protein forms R671Q, R777Q, R508Q, R511Q, R595Q, R597Q, R626Q, R678Q.
Identifiers: ClinVar variation 577323 (VCV000577323.9), dbSNP rs779204802, ClinGen allele CA5830670.
Genomic context (GRCh38, chr11:4,091,752, plus strand): 5'-AGGCTGTGGCTGAGGAGGATAATGGCTCTATTGGCGAGGAAACAGACTCCAGCCCAGGCC[G>A]GAAGAAGTTTCCCCTCAAAATCTTTAAGAAGCCTCTTAAGAAGTAGGCAGGATGGGGTGG-3'
Protein context (NP_001369496.1, residues 692-712): IGEETDSSPG[Arg702Gln]KKFPLKIFKK

ClinVar aggregate classification (germline): Uncertain significance (1 of 4 stars; one submission).

Conditions:
Stormorken syndrome (STRMK). Also called: THROMBOCYTOPATHY, ASPLENIA, AND MIOSIS. Identifiers: Orphanet 3204, MedGen C1861451, MONDO:0008497, OMIM 185070.
Combined immunodeficiency due to STIM1 deficiency. Also called: IMMUNODEFICIENCY 10; STIM1 DEFICIENCY. Identifiers: Orphanet 169090, Orphanet 317430, MedGen C2748557, MONDO:0013008, OMIM 612783.
Myopathy with tubular aggregates (TAM). Also called: Tubular Aggregate Myopathy. Identifiers: Orphanet 2593, MedGen C0410207, MONDO:0008051.

Allele frequency attached by ClinVar (database versions not stated): TOPMed below 0.00001.
gnomAD v4.1: 6 of 1,611,786 alleles (0.00037%); highest among the groups gnomAD compares: Non-Finnish European, 0.00051%; no homozygotes.

Submission:

Labcorp Genetics (formerly Invitae), Labcorp
Classification: Uncertain significance for Myopathy with tubular aggregates; Combined immunodeficiency due to STIM1 deficiency; Stormorken syndrome. Last evaluated: 2025-05-19. Review status: criteria provided, single submitter. Criteria: Invitae Variant Classification Sherloc (09022015). Collection method: clinical testing. Allele origin: germline.
Comment: This sequence change replaces arginine, which is basic and polar, with glutamine, which is neutral and polar, at codon 671 of the STIM1 protein (p.Arg671Gln). This variant is present in population databases (rs779204802, gnomAD 0.002%). This variant has not been reported in the literature in individuals affected with STIM1-related conditions. ClinVar contains an entry for this variant (Variation ID: 577323). Invitae Evidence Modeling of protein sequence and biophysical properties (such as structural, functional, and spatial information, amino acid conservation, physicochemical variation, residue mobility, and thermodynamic stability) has been performed for this missense variant. However, the output from this modeling did not meet the statistical confidence thresholds required to predict the impact of this variant on STIM1 protein function. In summary, the available evidence is currently insufficient to determine the role of this variant in disease. Therefore, it has been classified as a Variant of Uncertain Significance.